The following is an entry in ClinVar:

NM_001009944.3(PKD1):c.6382A>G (p.Asn2128Asp)

Gene: PKD1 (polycystin 1, transient receptor potential channel interacting; minus strand). Cytogenetic location: 16p13.3.
Variant type: single nucleotide variant.
Coding change: c.6382A>G on transcript NM_001009944.3 (MANE Select); coding-DNA position 6382, A replaced by G.
Protein change: p.Asn2128Asp; replaces asparagine 2128 with aspartic acid.
Molecular consequence: missense variant.
Genome position (GRCh38, 1-based): chr16:2,108,785, T>C on the plus strand (A>G on the coding strand, the complement: PKD1 is on the minus strand). VCF-style: chr16-2108785-T-C. GRCh37 (hg19) VCF-style: chr16-2158786-T-C.
Other names: c.6382A>G, p.Asn2128Asp (NM_000296.4); short protein forms N2128D.
Identifiers: ClinVar variation 1699028 (VCV001699028.5), dbSNP rs2151788281, ClinGen allele CA394373670.
Genomic context (GRCh38, chr16:2,108,785, plus strand): 5'-CCCGGCAGGCCAGCACCTGGACGGTCACCGTGGCCTGCGCCACGAAGAAGCTCACCAGGT[T>C]GGAGGCGTTCACCTGCACGCGGTAGTCCCCAGGCCTCAGGTAGGAGTGCTCGGCCCTGGG-3'
Protein context (NP_001009944.3, residues 2118-2138): GDYRVQVNAS[Asn2128Asp]LVSFFVAQAT

ClinVar aggregate classification (germline): Conflicting classifications of pathogenicity. Review status: criteria provided, conflicting classifications (1 of 4 stars). 3 submissions from 3 submitters: Likely pathogenic (2); Uncertain significance (1). Last evaluated 2023-07-17.

Conditions:
PKD1-related disorder. Also called: PKD1-related condition.
Polycystic kidney disease, adult type (PKD1). Also called: Polycystic Kidney Disease 1, Autosomal Dominant; Polycystic kidney disease 1; Polycystic kidney disease 1, severe; POLYCYSTIC KIDNEY DISEASE 1 WITH OR WITHOUT POLYCYSTIC LIVER DISEASE; Polycystic Kidney, Autosomal Dominant; POLYCYSTIC KIDNEY DISEASE, ADULT, TYPE I. Identifiers: MedGen C3149841, MONDO:0008263, OMIM 173900.

Submissions (3):

Victorian Clinical Genetics Services, Murdoch Childrens Research Institute
Classification: Likely pathogenic for Polycystic kidney disease, adult type. Last evaluated: 2023-07-17. Review status: criteria provided, single submitter. Criteria: ACMG Guidelines, 2015. Collection method: clinical testing. Allele origin: germline. Inheritance: Autosomal dominant inheritance. Affected: yes.
Comment: Based on the classification scheme VCGS_Germline_v1.3.4, this variant is classified as Likely pathogenic. Following criteria are met: 0102 - Loss of function is a known mechanism of disease in this gene and is associated with polycystic kidney disease 1 (MIM#173900). (I) 0107 - This gene is associated with autosomal dominant disease. Polycystic kidney disease 1 (MIM#173900) is predominantly caused by monoallelic variants, with rare reports of biallelic variants causing disease (OMIM). (I) 0200 - Variant is predicted to result in a missense amino acid change from asparagine to aspartic acid. (I) 0251 - This variant is heterozygous. (I) 0301 - Variant is absent from gnomAD (both v2 and v3). (SP) 0502 - Missense variant with conflicting in silico predictions and uninformative conservation. (I) 0600 - Variant is located in the annotated PKD domain (DECIPHER). (I) 0704 - Other missense variants comparable to the one identified in this case have limited previous evidence for pathogenicity. The p.(Asn2128His) and p.(Asn2128Lys) variants have been reported patients with ADPKD (PMID: 23431072, PMID: 25333066), while the p.(Asn2128Tyr) variant has been reported as a VUS, although it was reported de novo in an individual with congenital cystic kidney disease (ClinVar). (I) 0807 - This variant has no previous evidence of pathogenicity. (I) 0905 - No published segregation evidence has been identified for this variant. (I) 1007 - No published functional evidence has been identified for this variant. (SP) Legend: (SP) - Supporting pathogenic, (I) - Information, (SB) - Supporting benign

Department of Pathology and Laboratory Medicine, Sinai Health System
Classification: Uncertain significance for Polycystic kidney disease, adult type. Last evaluated: 2022-08-31. Review status: criteria provided, single submitter. Criteria: ACMG Guidelines, 2015. Collection method: clinical testing. Allele origin: germline. Affected: yes.

Blueprint Genetics
Classification: Likely pathogenic for PKD1-related disorders. Last evaluated: 2022-08-25. Review status: criteria provided, single submitter. Criteria: ACMG Guidelines, 2015. Collection method: clinical testing. Allele origin: germline. Affected: yes. Observed: 1 variant allele.

Literature cited by the submitters: PubMed 23431072 (cited by Victorian Clinical Genetics Services, Murdoch Childrens Research Institute); PubMed 25333066 (cited by Victorian Clinical Genetics Services, Murdoch Childrens Research Institute).